The following is an entry in ClinVar:

NM_000081.4(LYST):c.10978C>T (p.Pro3660Ser)

Gene: LYST (lysosomal trafficking regulator; minus strand). Cytogenetic location: 1q42.3.
Variant type: single nucleotide variant.
Coding change: c.10978C>T on transcript NM_000081.4 (MANE Select); coding-DNA position 10978, C replaced by T.
Protein change: p.Pro3660Ser; replaces proline 3660 with serine.
Molecular consequence: missense variant.
Genome position (GRCh38, 1-based): chr1:235,677,151, G>A on the plus strand (C>T on the coding strand, the complement: LYST is on the minus strand). VCF-style: chr1-235677151-G-A. GRCh37 (hg19) VCF-style: chr1-235840451-G-A.
Other names: c.10978C>T, p.Pro3660Ser (NM_001301365.1); short protein forms P3660S.
Identifiers: ClinVar variation 1977298 (VCV001977298.5), dbSNP rs138111566, ClinGen allele CA1465249.

ClinVar aggregate classification (germline): Uncertain significance. Review status: criteria provided, multiple submitters, no conflicts (2 of 4 stars). 2 submissions from 2 submitters: Uncertain significance (2). Last evaluated 2024-03-04.

Conditions:
Chédiak-Higashi syndrome (CHS). Also called: Chediak-Higashi Syndrome. Identifiers: Orphanet 167, MedGen C0007965, MONDO:0008963, OMIM 214500.

Allele frequency attached by ClinVar (database versions not stated): gnomAD exomes below 0.00001; ExAC 0.00001; gnomAD 0.00003; 1000 Genomes Project 30x 0.00016; 1000 Genomes Project 0.00020.
gnomAD v4.1: 10 of 1,613,908 alleles (0.00062%); highest among the groups gnomAD compares: Middle Eastern, 0.066%; no homozygotes.

Submissions (2):

Labcorp Genetics (formerly Invitae), Labcorp
Classification: Uncertain significance for Chédiak-Higashi syndrome. Last evaluated: 2024-03-04. Review status: criteria provided, single submitter. Criteria: Invitae Variant Classification Sherloc (09022015). Collection method: clinical testing. Allele origin: germline.
Comment: This sequence change replaces proline, which is neutral and non-polar, with serine, which is neutral and polar, at codon 3660 of the LYST protein (p.Pro3660Ser). This variant is present in population databases (rs138111566, gnomAD 0.0009%). This variant has not been reported in the literature in individuals affected with LYST-related conditions. ClinVar contains an entry for this variant (Variation ID: 1977298). Advanced modeling of protein sequence and biophysical properties (such as structural, functional, and spatial information, amino acid conservation, physicochemical variation, residue mobility, and thermodynamic stability) has been performed at Invitae for this missense variant, however the output from this modeling did not meet the statistical confidence thresholds required to predict the impact of this variant on LYST protein function. In summary, the available evidence is currently insufficient to determine the role of this variant in disease. Therefore, it has been classified as a Variant of Uncertain Significance.

Blueprint Genetics
Classification: Uncertain significance. Last evaluated: 2021-05-11. Review status: criteria provided, single submitter. Criteria: ACMG Guidelines, 2015. Collection method: clinical testing. Allele origin: germline.